The following is an entry in ClinVar:

ClinVar aggregate classification (germline): Conflicting classifications of pathogenicity. Review status: criteria provided, conflicting classifications (1 of 4 stars). 3 submissions from 3 submitters: Uncertain significance (2); Likely benign (1). Last evaluated 2025-10-08.

Conditions:
Focal segmental glomerulosclerosis 5 (FSGS5). Identifiers: Orphanet 656, MedGen C2750475, MONDO:0013191, OMIM 613237.
Charcot-Marie-Tooth disease dominant intermediate E. Also called: CHARCOT-MARIE-TOOTH NEUROPATHY WITH FOCAL SEGMENTAL GLOMERULONEPHRITIS. Identifiers: Orphanet 93114, MedGen C4302667, MONDO:0013758, OMIM 614455.

Allele frequency attached by ClinVar (database versions not stated): TOPMed 0.00001.
gnomAD v4.1: 32 of 1,550,382 alleles (0.0021%); highest among the groups gnomAD compares: Non-Finnish European, 0.0025%; no homozygotes.

Submissions (3):

Labcorp Genetics (formerly Invitae), Labcorp
Classification: Likely benign for Charcot-Marie-Tooth disease dominant intermediate E; Focal segmental glomerulosclerosis 5. Last evaluated: 2025-10-08. Review status: criteria provided, single submitter. Criteria: Invitae Variant Classification Sherloc (09022015). Collection method: clinical testing. Allele origin: germline.

Pittsburgh Clinical Genomics Laboratory, University of Pittsburgh Medical Center
Classification: Uncertain significance for Charcot-Marie-Tooth disease dominant intermediate E. Last evaluated: 2022-04-01. Review status: criteria provided, single submitter. Criteria: ACMG Guidelines, 2015. Collection method: clinical testing. Allele origin: germline. Inheritance: Autosomal dominant inheritance. Affected: yes.
Comment: This sequence variant is a single nucleotide substitution (G>A) which results in an arginine to glutamine amino acid change at residue 953 in the INF2 protein. This is a previously reported variant (ClinVar) which has not been observed in the literature in individuals with INF2-related disease, to our knowledge. This variant is rare in the gnomAD control population database (1/31328 alleles or 0.003%). Multiple bioinformatic tools are inconsistent in their predictions if this variant is likely to be damaging or tolerated. The Arg953 residue is not well conserved in vertebrates, and glutamine is present at the equivalent protein position in multiple mammalian species. Functiol studies assessing the effect of this variant on protein structure or activity have not been performed, to our knowledge. At this time, there is insufficient evidence to determine if this variant is pathogenic or benign. Therefore, we consider it to be a variant of uncertain significance. ACMG Criteria: PM2

GeneDx
Classification: Uncertain significance. Last evaluated: 2020-02-10. Review status: criteria provided, single submitter. Criteria: GeneDx Variant Classification Process June 2021. Collection method: clinical testing. Allele origin: germline. Affected: yes.
Comment: Has not been previously published as pathogenic or benign to our knowledge; In silico analysis supports that this missense variant does not alter protein structure/function

NM_022489.4(INF2):c.2858G>A (p.Arg953Gln)

Gene: INF2 (inverted formin 2; plus strand). Cytogenetic location: 14q32.33.
Variant type: single nucleotide variant.
Coding change: c.2858G>A on transcript NM_022489.4 (MANE Select); coding-DNA position 2858, G replaced by A.
Protein change: p.Arg953Gln; replaces arginine 953 with glutamine.
Molecular consequence: missense variant.
Genome position (GRCh38, 1-based): chr14:104,713,289, G>A. VCF-style: chr14-104713289-G-A. GRCh37 (hg19) VCF-style: chr14-105179626-G-A.
Other names: c.2858G>A, p.Arg953Gln (NM_001031714.4); short protein forms R953Q.
Identifiers: ClinVar variation 540052 (VCV000540052.11), dbSNP rs1385146569, ClinGen allele CA391222788.